The following is an entry in ClinVar:

ClinVar aggregate classification (germline): Benign. Review status: criteria provided, single submitter (1 of 4 stars). 2 submissions from 2 submitters: Benign (1). 1 of the submissions does not count toward it. Last evaluated 2019-12-31.

Allele frequency attached by ClinVar (database versions not stated): gnomAD exomes 0.00271; ExAC 0.00367; gnomAD 0.01114 and 0.01182; ESP Exome Variant Server 0.01207; 1000 Genomes Project 30x 0.01218; TOPMed 0.01228; 1000 Genomes Project 0.01258.
gnomAD v4.1: 3,299 of 1,613,152 alleles (0.2%); highest among the groups gnomAD compares: African/African-American, 3.8%; 67 homozygotes.

Submissions (2):

Labcorp Genetics (formerly Invitae), Labcorp
Classification: Benign. Last evaluated: 2019-12-31. Review status: criteria provided, single submitter. Criteria: Invitae Variant Classification Sherloc (09022015). Collection method: clinical testing. Allele origin: germline.

Genetic Services Laboratory, University of Chicago
Classification: Likely benign for AllHighlyPenetrant. Review status: no assertion criteria provided. Collection method: clinical testing. Allele origin: germline. Inheritance: Autosomal dominant inheritance. Not counted in ClinVar's aggregate classification.
Comment: Likely benign based on allele frequency in 1000 Genomes Project or ESP global frequency and its presence in a patient with a rare or unrelated disease phenotype. NOT Sanger confirmed.

NM_012156.2(EPB41L1):c.873+7C>G

Gene: EPB41L1 (erythrocyte membrane protein band 4.1 like 1; plus strand). Cytogenetic location: 20q11.23.
Variant type: single nucleotide variant.
Coding change: c.873+7C>G on transcript NM_012156.2 (MANE Select); 7 bases into the intron after coding-DNA position 873, C replaced by G.
Molecular consequence: intron variant.
Genome position (GRCh38, 1-based): chr20:36,187,770, C>G. VCF-style: chr20-36187770-C-G. GRCh37 (hg19) VCF-style: chr20-34775692-C-G.
Other names: c.687+7C>G (NM_001258331.2, NM_177996.2); c.780+7C>G (NM_001258330.1); c.873+7C>G (NM_001258329.1).
Identifiers: ClinVar variation 129002 (VCV000129002.10), dbSNP rs111572179, ClinGen allele CA152749.